The following is an entry in ClinVar:

ClinVar aggregate classification (germline): Uncertain significance (1 of 4 stars; one submission).

Allele frequency attached by ClinVar (database versions not stated): gnomAD exomes 0.00002; TOPMed 0.00002; ExAC 0.00001; gnomAD 0.00001.
gnomAD v4.1: 12 of 1,614,106 alleles (0.00074%); highest among the groups gnomAD compares: African/African-American, 0.0053%; no homozygotes.

Submission:

Labcorp Genetics (formerly Invitae), Labcorp
Classification: Uncertain significance. Last evaluated: 2022-07-12. Review status: criteria provided, single submitter. Criteria: Invitae Variant Classification Sherloc (09022015). Collection method: clinical testing. Allele origin: germline.
Comment: This sequence change replaces threonine, which is neutral and polar, with methionine, which is neutral and non-polar, at codon 1624 of the C2CD3 protein (p.Thr1624Met). This variant is present in population databases (rs774712341, gnomAD 0.007%). This variant has not been reported in the literature in individuals affected with C2CD3-related conditions. ClinVar contains an entry for this variant (Variation ID: 1472397). Algorithms developed to predict the effect of missense changes on protein structure and function (SIFT, PolyPhen-2, Align-GVGD) all suggest that this variant is likely to be tolerated. In summary, the available evidence is currently insufficient to determine the role of this variant in disease. Therefore, it has been classified as a Variant of Uncertain Significance.

NM_001286577.2(C2CD3):c.4871C>T (p.Thr1624Met)

Gene: C2CD3 (C2 domain containing 3 centriole elongation regulator; minus strand). Cytogenetic location: 11q13.4.
Variant type: single nucleotide variant.
Coding change: c.4871C>T on transcript NM_001286577.2 (MANE Select); coding-DNA position 4871, C replaced by T.
Protein change: p.Thr1624Met; replaces threonine 1624 with methionine.
Molecular consequence: missense variant.
Genome position (GRCh38, 1-based): chr11:74,074,333, G>A on the plus strand (C>T on the coding strand, the complement: C2CD3 is on the minus strand). VCF-style: chr11-74074333-G-A. GRCh37 (hg19) VCF-style: chr11-73785378-G-A.
Other names: c.4871C>T, p.Thr1624Met (NM_015531.6); short protein forms T1624M.
Identifiers: ClinVar variation 1472397 (VCV001472397.5), dbSNP rs774712341, ClinGen allele CA6182050.